The following is an entry in ClinVar:

NM_001267550.2(TTN):c.92696T>C (p.Ile30899Thr)

Genes: TTN (titin; minus strand), TTN-AS1 (TTN antisense RNA 1; plus strand). Cytogenetic location: 2q31.2.
Variant type: single nucleotide variant.
Coding change: c.92696T>C on transcript NM_001267550.2 (MANE Select); coding-DNA position 92696, T replaced by C.
Protein change: p.Ile30899Thr; replaces isoleucine 30899 with threonine.
Molecular consequence: missense variant.
Genome position (GRCh38, 1-based): chr2:178,548,930, A>G on the plus strand (T>C on the coding strand, the complement: TTN is on the minus strand). VCF-style: chr2-178548930-A-G. GRCh37 (hg19) VCF-style: chr2-179413657-A-G.
Other names: p.I29258T:ATC>ACC; p.Ile29258Thr; c.65876T>C, p.Ile21959Thr (NM_133432.3); c.66077T>C, p.Ile22026Thr (NM_133437.4); c.87773T>C, p.Ile29258Thr (NM_001256850.1); c.65501T>C, p.Ile21834Thr (NM_003319.4); c.84992T>C, p.Ile28331Thr (NM_133378.4); short protein forms I28331T, I30899T, I29258T, I21834T, I22026T, I21959T.
Identifiers: ClinVar variation 178169 (VCV000178169.50), dbSNP rs373727636, ClinGen allele CA181628.

ClinVar aggregate classification (germline): Conflicting classifications of pathogenicity. Review status: criteria provided, conflicting classifications (1 of 4 stars). 19 submissions from 15 submitters: Uncertain significance (11); Benign (2); Likely benign (6). Last evaluated 2026-08-01.

Conditions:
TTN-related disorder. Also called: TTN-related disorders; TTN-related condition; TTN-related disease.
Cardiovascular phenotype. Identifiers: MedGen CN230736.
Arthrogryposis syndrome. Identifiers: Orphanet 109007, MedGen CN261653, MONDO:0015225.
Autosomal recessive limb-girdle muscular dystrophy type 2J (LGMDR10). Also called: Limb-girdle muscular dystrophy, type 2J; MUSCULAR DYSTROPHY, LIMB-GIRDLE, AUTOSOMAL RECESSIVE 10. Identifiers: Orphanet 140922, MedGen C1837342, MONDO:0012127, OMIM 608807.
Dilated cardiomyopathy 1G (CMD1G). Identifiers: Orphanet 154, MedGen C1858763, MONDO:0011400, OMIM 604145.
Cardiomyopathy (CMYO). Also called: Cardiomyopathies. Identifiers: Orphanet 167848, MedGen C0878544, MONDO:0004994, HP:0001638. Inheritance: Various modes of inheritance.
Hypertrophic cardiomyopathy 9. Also called: Familial hypertrophic cardiomyopathy 9. Identifiers: MedGen C1861065, MONDO:0013412, OMIM 613765.
Early-onset myopathy with fatal cardiomyopathy (CMYO5). Also called: Salih Myopathy; CONGENITAL MYOPATHY 5 WITH CARDIOMYOPATHY. Identifiers: Orphanet 289377, MedGen C2673677, MONDO:0012714, OMIM 611705. Disease mechanism: loss of function.
Myopathy, myofibrillar, 9, with early respiratory failure (MFM9). Also called: Myopathy, distal, with early respiratory failure, autosomal dominant; EDSTROM MYOPATHY; MYOPATHY, PROXIMAL, WITH EARLY RESPIRATORY MUSCLE INVOLVEMENT; Hereditary myopathy with early respiratory failure. Identifiers: Orphanet 178464, Orphanet 34521, MedGen C1863599, MONDO:0011362, OMIM 603689.
Tibial muscular dystrophy (TMD). Also called: Udd Distal Myopathy – Tibial Muscular Dystrophy; UDD MYOPATHY; Tibial muscular dystrophy, tardive. Identifiers: Orphanet 609, MedGen C1838244, MONDO:0010870, OMIM 600334.

Allele frequency attached by ClinVar (database versions not stated): gnomAD 0.00016 and 0.00017; ExAC 0.00017; TOPMed 0.00019; 1000 Genomes Project 0.00020; gnomAD exomes 0.00022; ESP Exome Variant Server 0.00024; 1000 Genomes Project 30x 0.00047.
gnomAD v4.1: 348 of 1,613,938 alleles (0.022%); highest among the groups gnomAD compares: Non-Finnish European, 0.028%; no homozygotes.

Submissions (19):

CeGaT Center for Human Genetics Tuebingen
Classification: Uncertain significance. Last evaluated: 2026-08-01. Review status: criteria provided, single submitter. Criteria: CeGaT Center For Human Genetics Tuebingen Variant Classification Criteria Version 2. Collection method: clinical testing. Allele origin: germline. Affected: yes. Observed: 2 variant alleles.
Comment: TTN: PM2

Women's Health and Genetics/Laboratory Corporation of America, LabCorp
Classification: Likely benign. Last evaluated: 2026-01-26. Review status: criteria provided, single submitter. Criteria: LabCorp Variant Classification Summary - May 2015. Collection method: clinical testing. Allele origin: germline.
Comment: Variant summary: TTN c.84992T>C (p.Ile28331Thr) results in a non-conservative amino acid change located in the A-band region of the encoded protein sequence. Algorithms developed to predict the effect of missense changes on protein structure and function are either unavailable or do not agree on the potential impact of this missense change. The variant allele was found at a frequency of 0.00022 in 248812 control chromosomes, predominantly at a frequency of 0.00049 within the Non-Finnish European subpopulation in the gnomAD database. The observed variant frequency within Non-Finnish European control individuals in the gnomAD database exceeds the estimated maximal expected allele frequency for disease-causing variants in TTN. c.84992T>C has been observed in individual(s) affected with affected with hypertrophic cardiomyopathy (e.g. Burstein_2021). These report(s) do not provide unequivocal conclusions about association of the variant with Dilated Cardiomyopathy. To our knowledge, no experimental evidence demonstrating an impact on protein function has been reported. The following publications have been ascertained in the context of this evaluation (PMID: 32746448, 37725123, 30564623). ClinVar contains an entry for this variant (Variation ID: 178169). Based on the evidence outlined above, the variant was classified as likely benign.

PreventionGenetics, part of Exact Sciences
Classification: Likely benign for TTN-related condition. Last evaluated: 2025-09-24. Review status: criteria provided, single submitter. Criteria: ACMG Guidelines, 2015. Collection method: clinical testing. Allele origin: germline.
Comment: This variant is classified as likely benign based on ACMG/AMP sequence variant interpretation guidelines (Richards et al. 2015 PMID: 25741868, with internal and published modifications).

Revvity Omics, Revvity
Classification: Uncertain significance. Last evaluated: 2025-07-08. Review status: criteria provided, single submitter. Criteria: ACMG Guidelines, 2015. Collection method: clinical testing. Allele origin: germline.

Mayo Clinic Laboratories, Mayo Clinic
Classification: Uncertain significance. Last evaluated: 2025-05-15. Review status: criteria provided, single submitter. Criteria: ACMG Guidelines, 2015. Collection method: clinical testing. Allele origin: germline. Observed: 1 variant allele.

Blueprint Genetics
Classification: Likely benign. Last evaluated: 2024-10-17. Review status: criteria provided, single submitter. Criteria: ACMG Guidelines, 2015. Collection method: clinical testing. Allele origin: germline.

CHEO Genetics Diagnostic Laboratory, Children's Hospital of Eastern Ontario
Classification: Likely benign for Cardiomyopathy. Last evaluated: 2022-05-09. Review status: criteria provided, single submitter. Criteria: ACMG Guidelines, 2015. Collection method: clinical testing. Allele origin: germline.

New York Genome Center
Classification: Uncertain significance for Hypertrophic cardiomyopathy 9; Dilated cardiomyopathy 1G. Last evaluated: 2021-12-21. Review status: criteria provided, single submitter. Criteria: NYGC Assertion Criteria 2020. Collection method: clinical testing. Allele origin: germline. Observed: 2 variant alleles.

GeneDx
Classification: Likely benign. Last evaluated: 2020-11-05. Review status: criteria provided, single submitter. Criteria: GeneDx Variant Classification Process June 2021. Collection method: clinical testing. Allele origin: germline. Affected: yes.

Ambry Genetics
Classification: Likely benign for Cardiovascular phenotype. Last evaluated: 2020-07-29. Review status: criteria provided, single submitter. Criteria: Ambry Variant Classification Scheme 2023. Collection method: clinical testing. Allele origin: germline.

Cambridge Genomics Laboratory, East Genomic Laboratory Hub, NHS Genomic Medicine Service
Classification: Uncertain significance for Arthrogryposis syndrome. Last evaluated: 2019-07-08. Review status: criteria provided, single submitter. Criteria: ACGS Best Practice Guidelines for Variant Classification in Rare Disease 2020. Collection method: clinical testing. Allele origin: germline. Affected: yes. Observed: 1 variant allele.

Illumina Laboratory Services, Illumina
Classification: Uncertain significance for Early-onset myopathy with fatal cardiomyopathy. Last evaluated: 2018-01-12. Review status: criteria provided, single submitter. Criteria: ICSL Variant Classification Criteria 13 December 2019. Collection method: clinical testing. Allele origin: germline.

Illumina Laboratory Services, Illumina
Classification: Uncertain significance for Dilated cardiomyopathy 1G. Last evaluated: 2018-01-12. Review status: criteria provided, single submitter. Criteria: ICSL Variant Classification Criteria 13 December 2019. Collection method: clinical testing. Allele origin: germline.

Illumina Laboratory Services, Illumina
Classification: Benign for Tibial muscular dystrophy. Last evaluated: 2018-01-12. Review status: criteria provided, single submitter. Criteria: ICSL Variant Classification Criteria 13 December 2019. Collection method: clinical testing. Allele origin: germline.
Comment: This variant was observed in the ICSL laboratory as part of a predisposition screen in an ostensibly healthy population. It had not been previously curated by ICSL or reported in the Human Gene Mutation Database (HGMD: prior to June 1st, 2018), and was therefore a candidate for classification through an automated scoring system. Utilizing variant allele frequency, disease prevalence and penetrance estimates, and inheritance mode, an automated score was calculated to assess if this variant is too frequent to cause the disease. Based on the score and internal cut-off values, a variant classified as benign is not then subjected to further curation. The score for this variant resulted in a classification of benign for this disease.

Illumina Laboratory Services, Illumina
Classification: Benign for Myopathy, myofibrillar, 9, with early respiratory failure. Last evaluated: 2018-01-12. Review status: criteria provided, single submitter. Criteria: ICSL Variant Classification Criteria 13 December 2019. Collection method: clinical testing. Allele origin: germline.
Comment: the same text as in the submission from Illumina Laboratory Services, Illumina above.

Illumina Laboratory Services, Illumina
Classification: Uncertain significance for Autosomal recessive limb-girdle muscular dystrophy type 2J. Last evaluated: 2018-01-12. Review status: criteria provided, single submitter. Criteria: ICSL Variant Classification Criteria 13 December 2019. Collection method: clinical testing. Allele origin: germline.

Labcorp Genetics (formerly Invitae), Labcorp
Classification: Uncertain significance for Dilated cardiomyopathy 1G; Autosomal recessive limb-girdle muscular dystrophy type 2J. Last evaluated: 2017-10-27. Review status: criteria provided, single submitter. Criteria: Invitae Variant Classification Sherloc (09022015). Collection method: clinical testing. Allele origin: germline.

Eurofins Ntd Llc (ga)
Classification: Uncertain significance. Last evaluated: 2015-09-28. Review status: criteria provided, single submitter. Criteria: EGL Classification Definitions 2015. Collection method: clinical testing. Allele origin: germline. Observed: 2 variant alleles, 2 heterozygotes.

Laboratory for Molecular Medicine, Mass General Brigham Personalized Medicine
Classification: Uncertain significance. Last evaluated: 2015-07-30. Review status: criteria provided, single submitter. Criteria: LMM Criteria. Collection method: clinical testing. Allele origin: germline. Observed: 2 variant alleles.
Comment: This variant has been identified in 20/66706 European chro mosomes by the Exome Aggregation Consortium (ExAC, g; dbSNP rs373727636). Computational prediction tools and conservation analysis do not provide strong support for or against an impact to the protein. In summar y, the clinical significance of the p.Ile28331Thr variant is uncertain.

Literature cited by the submitters: PubMed 30564623 (cited by Women's Health and Genetics/Laboratory Corporation of America, LabCorp); PubMed 32746448 (cited by Women's Health and Genetics/Laboratory Corporation of America, LabCorp and Mayo Clinic Laboratories, Mayo Clinic); PubMed 37725123 (cited by Women's Health and Genetics/Laboratory Corporation of America, LabCorp); PubMed 30847666 (cited by Mayo Clinic Laboratories, Mayo Clinic and Ambry Genetics).